The following is an entry in ClinVar:

NM_001079843.3(CASZ1):c.1369G>A (p.Val457Ile)

Gene: CASZ1 (castor zinc finger 1; minus strand). Cytogenetic location: 1p36.22.
Variant type: single nucleotide variant.
Coding change: c.1369G>A on transcript NM_001079843.3 (MANE Select); coding-DNA position 1369, G replaced by A.
Protein change: p.Val457Ile; replaces valine 457 with isoleucine.
Molecular consequence: missense variant.
Genome position (GRCh38, 1-based): chr1:10,658,548, C>T on the plus strand (G>A on the coding strand, the complement: CASZ1 is on the minus strand). VCF-style: chr1-10658548-C-T. GRCh37 (hg19) VCF-style: chr1-10718605-C-T.
Other names: c.1369G>A, p.Val457Ile (NM_017766.5); short protein forms V457I.
Identifiers: ClinVar variation 1358774 (VCV001358774.14), dbSNP rs148685497, ClinGen allele CA585143.

ClinVar aggregate classification (germline): Likely benign. Review status: criteria provided, multiple submitters, no conflicts (2 of 4 stars). 2 submissions from 2 submitters: Likely benign (2). Last evaluated 2025-11-01.

Allele frequency attached by ClinVar (database versions not stated): ExAC 0.00015; gnomAD 0.00016 and 0.00020; ESP Exome Variant Server 0.00023; TOPMed 0.00014.

Submissions (2):

CeGaT Center for Human Genetics Tuebingen
Classification: Likely benign. Last evaluated: 2025-11-01. Review status: criteria provided, single submitter. Criteria: CeGaT Center For Human Genetics Tuebingen Variant Classification Criteria Version 2. Collection method: clinical testing. Allele origin: germline. Affected: yes. Observed: 1 variant allele.
Comment: CASZ1: BP4

Labcorp Genetics (formerly Invitae), Labcorp
Classification: Likely benign. Last evaluated: 2024-04-05. Review status: criteria provided, single submitter. Criteria: Invitae Variant Classification Sherloc (09022015). Collection method: clinical testing. Allele origin: germline.